The following is an entry in ClinVar:

NM_000038.6(APC):c.6076T>C (p.Ser2026Pro)

Gene: APC (APC regulator of Wnt signaling pathway; plus strand). Cytogenetic location: 5q22.2.
Variant type: single nucleotide variant.
Coding change: c.6076T>C on transcript NM_000038.6 (MANE Select); coding-DNA position 6076, T replaced by C.
Protein change: p.Ser2026Pro; replaces serine 2026 with proline.
Molecular consequence: missense variant. On other transcripts: non-coding transcript variant (2).
Genome position (GRCh38, 1-based): chr5:112,841,670, T>C. VCF-style: chr5-112841670-T-C. GRCh37 (hg19) VCF-style: chr5-112177367-T-C.
Other names: c.6076T>C, p.Ser2026Pro (NM_001127510.3, NM_001354895.2, NM_001407450.1); c.6022T>C, p.Ser2008Pro (NM_001127511.3); c.6130T>C, p.Ser2044Pro (NM_001354896.2, NM_001407447.1, NM_001407448.1 and 1 more transcripts); c.6106T>C, p.Ser2036Pro (NM_001354897.2); c.6001T>C, p.Ser2001Pro (NM_001354898.2); c.5992T>C, p.Ser1998Pro (NM_001354899.2); c.5953T>C, p.Ser1985Pro (NM_001354900.2); c.5899T>C, p.Ser1967Pro (NM_001354901.2, NM_001407453.1); and 11 more; short protein forms S1900P, S1925P, S1998P, S2008P, S2016P, S1897P, S2036P, S2054P.
Identifiers: ClinVar variation 4751918 (VCV004751918.1).

ClinVar aggregate classification (germline): Uncertain significance (1 of 4 stars; one submission).

Conditions:
Familial adenomatous polyposis 1 (FAP1). Also called: POLYPOSIS, ADENOMATOUS INTESTINAL; FAMILIAL ADENOMATOUS POLYPOSIS 1, ATTENUATED. Identifiers: MedGen C2713442, MONDO:0021056, OMIM 175100. Disease mechanism: loss of function.

gnomAD v4.1: 5 of 1,613,762 alleles (0.00031%); highest among the groups gnomAD compares: Non-Finnish European, 0.00042%; no homozygotes.

Submission:

Labcorp Genetics (formerly Invitae), Labcorp
Classification: Uncertain significance for Familial adenomatous polyposis 1. Last evaluated: 2025-11-02. Review status: criteria provided, single submitter. Criteria: Invitae Variant Classification Sherloc (09022015). Collection method: clinical testing. Allele origin: germline.
Comment: This sequence change replaces serine, which is neutral and polar, with proline, which is neutral and non-polar, at codon 2026 of the APC protein (p.Ser2026Pro). This variant is not present in population databases (gnomAD no frequency). This variant has not been reported in the literature in individuals affected with APC-related conditions. Invitae Evidence Modeling of protein sequence and biophysical properties (such as structural, functional, and spatial information, amino acid conservation, physicochemical variation, residue mobility, and thermodynamic stability) indicates that this missense variant is not expected to disrupt APC protein function with a negative predictive value of 95%. In summary, the available evidence is currently insufficient to determine the role of this variant in disease. Therefore, it has been classified as a Variant of Uncertain Significance.